The following is an entry in ClinVar:

ClinVar aggregate classification (germline): Benign. Review status: criteria provided, multiple submitters, no conflicts (2 of 4 stars). 2 submissions from 2 submitters: Benign (2). Last evaluated 2017-11-24.

Allele frequency attached by ClinVar (database versions not stated): 1000 Genomes Project 0.00938; 1000 Genomes Project 30x 0.01093; gnomAD 0.01599; TOPMed 0.02026; gnomAD exomes 0.03082.
gnomAD v4.1: 2,889 of 152,580 alleles (1.9%); highest among the groups gnomAD compares: Middle Eastern, 3%; 44 homozygotes.

Submissions (2):

GeneDx
Classification: Benign. Last evaluated: 2017-11-24. Review status: criteria provided, single submitter. Criteria: GeneDx Variant Classification (06012015). Collection method: clinical testing. Allele origin: germline. Affected: yes.
Comment: This variant is considered likely benign or benign based on one or more of the following criteria: it is a conservative change, it occurs at a poorly conserved position in the protein, it is predicted to be benign by multiple in silico algorithms, and/or has population frequency not consistent with disease.

Breakthrough Genomics
Classification: Benign. Review status: criteria provided, single submitter. Criteria: ACMG Guidelines, 2015. Collection method: not provided. Allele origin: germline. Inheritance: Autosomal recessive inheritance. Affected: yes.

NM_006612.6(KIF1C):c.-149+13G>C

Genes: KIF1C (kinesin family member 1C; plus strand), LOC130060061 (ATAC-STARR-seq lymphoblastoid silent region 8061; plus strand). Cytogenetic location: 17p13.2.
Variant type: single nucleotide variant.
Coding change: c.-149+13G>C on transcript NM_006612.6 (MANE Select); 13 bases into the intron after 149 bases upstream of the start codon, G replaced by C.
Molecular consequence: intron variant.
Genome position (GRCh38, 1-based): chr17:4,998,169, G>C. VCF-style: chr17-4998169-G-C. GRCh37 (hg19) VCF-style: chr17-4901464-G-C.
Identifiers: ClinVar variation 383986 (VCV000383986.2), dbSNP rs181145340, ClinGen allele CA16607356.